The following is an entry in ClinVar:

NM_000327.4(ROM1):c.895G>A (p.Val299Ile)

Gene: ROM1 (retinal outer segment membrane protein 1; plus strand). Cytogenetic location: 11q12.3.
Variant type: single nucleotide variant.
Coding change: c.895G>A on transcript NM_000327.4 (MANE Select); coding-DNA position 895, G replaced by A.
Protein change: p.Val299Ile; replaces valine 299 with isoleucine.
Molecular consequence: missense variant.
Genome position (GRCh38, 1-based): chr11:62,614,678, G>A. VCF-style: chr11-62614678-G-A. GRCh37 (hg19) VCF-style: chr11-62382150-G-A.
Other names: short protein forms V299I.
Identifiers: ClinVar variation 1060662 (VCV001060662.9), dbSNP rs765892352, ClinGen allele CA380972955.

ClinVar aggregate classification (germline): Uncertain significance (1 of 4 stars; one submission).

Submission:

Labcorp Genetics (formerly Invitae), Labcorp
Classification: Uncertain significance. Last evaluated: 2025-03-17. Review status: criteria provided, single submitter. Criteria: Invitae Variant Classification Sherloc (09022015). Collection method: clinical testing. Allele origin: germline.
Comment: This sequence change replaces valine, which is neutral and non-polar, with isoleucine, which is neutral and non-polar, at codon 299 of the ROM1 protein (p.Val299Ile). This variant is not present in population databases (gnomAD no frequency). This variant has not been reported in the literature in individuals affected with ROM1-related conditions. ClinVar contains an entry for this variant (Variation ID: 1060662). Invitae Evidence Modeling of protein sequence and biophysical properties (such as structural, functional, and spatial information, amino acid conservation, physicochemical variation, residue mobility, and thermodynamic stability) indicates that this missense variant is not expected to disrupt ROM1 protein function with a negative predictive value of 80%. In summary, the available evidence is currently insufficient to determine the role of this variant in disease. Therefore, it has been classified as a Variant of Uncertain Significance.